The following is an entry in ClinVar:

NM_194454.3(KRIT1):c.1818+1G>A

Gene: KRIT1 (KRIT1 ankyrin repeat containing; minus strand). Cytogenetic location: 7q21.2.
Variant type: single nucleotide variant.
Coding change: c.1818+1G>A on transcript NM_194454.3 (MANE Select); the canonical splice donor site of the intron after coding-DNA position 1818, G replaced by A.
Molecular consequence: splice donor variant.
Genome position (GRCh38, 1-based): chr7:92,213,891, C>T on the plus strand (G>A on the coding strand, the complement: KRIT1 is on the minus strand). VCF-style: chr7-92213891-C-T. GRCh37 (hg19) VCF-style: chr7-91843205-C-T.
Other names: c.1818+1G>A (NM_001350672.1, NM_001350676.1, NM_001350673.1 and 26 more transcripts); c.1674+1G>A (NM_001350669.1, NM_001013406.2, NM_001350670.1); c.1104+1G>A (NM_001350671.1).
Identifiers: ClinVar variation 1506191 (VCV001506191.7), dbSNP rs2131315805, ClinGen allele CA368140838.

ClinVar aggregate classification (germline): Pathogenic/Likely pathogenic. Review status: criteria provided, multiple submitters, no conflicts (2 of 4 stars). 2 submissions from 2 submitters: Pathogenic (1); Likely pathogenic (1). Last evaluated 2025-05-22.

Conditions:
KRIT1-related disorder. Also called: KRIT1-related disorders; KRIT1-related condition.
Cerebral cavernous malformation (CCM). Also called: CAVERNOUS ANGIOMA, FAMILIAL; CAVERNOUS ANGIOMATOUS MALFORMATIONS; CEREBRAL CAPILLARY MALFORMATIONS; Cerebral cavernous hemangioma (type); Cavernous Hemangioma of Brain; Cerebral cavernous malformations. Identifiers: Orphanet 221061, MedGen C2919945, MONDO:0000820, OMIM 116860, HP:0033522.

Submissions (2):

Labcorp Genetics (formerly Invitae), Labcorp
Classification: Likely pathogenic for Cerebral cavernous malformation. Last evaluated: 2025-05-22. Review status: criteria provided, single submitter. Criteria: Invitae Variant Classification Sherloc (09022015). Collection method: clinical testing. Allele origin: germline.
Comment: This sequence change affects a donor splice site in intron 17 of the KRIT1 gene. It is expected to disrupt RNA splicing. Variants that disrupt the donor or acceptor splice site typically lead to a loss of protein function (PMID: 16199547), and loss-of-function variants in KRIT1 are known to be pathogenic (PMID: 10508515, 11222804, 12404106, 24689081). This variant is not present in population databases (gnomAD no frequency). Disruption of this splice site has been observed in individual(s) with cerebral cavernous malformations (internal data). ClinVar contains an entry for this variant (Variation ID: 1506191). Algorithms developed to predict the effect of sequence changes on RNA splicing suggest that this variant may disrupt the consensus splice site. In summary, the currently available evidence indicates that the variant is pathogenic, but additional data are needed to prove that conclusively. Therefore, this variant has been classified as Likely Pathogenic.

Blueprint Genetics
Classification: Pathogenic for KRIT1-related disorders. Last evaluated: 2023-01-02. Review status: criteria provided, single submitter. Criteria: ACMG Guidelines, 2015. Collection method: clinical testing. Allele origin: germline. Affected: yes. Observed: 1 variant allele.

Literature cited by the submitters: PubMed 16199547 (cited by Labcorp Genetics (formerly Invitae), Labcorp); PubMed 10508515 (cited by Labcorp Genetics (formerly Invitae), Labcorp); PubMed 11222804 (cited by Labcorp Genetics (formerly Invitae), Labcorp); PubMed 12404106 (cited by Labcorp Genetics (formerly Invitae), Labcorp); PubMed 24689081 (cited by Labcorp Genetics (formerly Invitae), Labcorp).